The following is an entry in ClinVar:

ClinVar aggregate classification (germline): Uncertain significance. Review status: criteria provided, multiple submitters, no conflicts (2 of 4 stars). 2 submissions from 2 submitters: Uncertain significance (2). Last evaluated 2025-11-18.

Allele frequency attached by ClinVar (database versions not stated): gnomAD exomes 0.00010; 1000 Genomes Project 30x 0.00016; ExAC 0.00016; 1000 Genomes Project 0.00020; gnomAD 0.00051 and 0.00057; TOPMed 0.00054; ESP Exome Variant Server 0.00085.
gnomAD v4.1: 145 of 1,614,144 alleles (0.009%); highest among the groups gnomAD compares: African/African-American, 0.16%; no homozygotes.

Submissions (2):

Labcorp Genetics (formerly Invitae), Labcorp
Classification: Uncertain significance. Last evaluated: 2025-11-18. Review status: criteria provided, single submitter. Criteria: Invitae Variant Classification Sherloc (09022015). Collection method: clinical testing. Allele origin: germline.
Comment: This sequence change replaces glycine, which is neutral and non-polar, with serine, which is neutral and polar, at codon 141 of the NIN protein (p.Gly141Ser). This variant is present in population databases (rs143800977, gnomAD 0.2%), and has an allele count higher than expected for a pathogenic variant. This variant has not been reported in the literature in individuals affected with NIN-related conditions. ClinVar contains an entry for this variant (Variation ID: 211612). An algorithm developed to predict the effect of missense changes on protein structure and function outputs the following: PolyPhen-2: "Benign". The serine amino acid residue is found in multiple mammalian species, which suggests that this missense change does not adversely affect protein function. In summary, the available evidence is currently insufficient to determine the role of this variant in disease. Therefore, it has been classified as a Variant of Uncertain Significance.

Genetic Services Laboratory, University of Chicago
Classification: Uncertain significance. Last evaluated: 2015-07-22. Review status: criteria provided, single submitter. Criteria: ACMG Guidelines, 2015. Collection method: clinical testing. Allele origin: germline.

NM_020921.4(NIN):c.421G>A (p.Gly141Ser)

Gene: NIN (ninein; minus strand). Cytogenetic location: 14q22.1.
Variant type: single nucleotide variant.
Coding change: c.421G>A on transcript NM_020921.4 (MANE Select); coding-DNA position 421, G replaced by A.
Protein change: p.Gly141Ser; replaces glycine 141 with serine.
Molecular consequence: missense variant.
Genome position (GRCh38, 1-based): chr14:50,792,726, C>T on the plus strand (G>A on the coding strand, the complement: NIN is on the minus strand). VCF-style: chr14-50792726-C-T. GRCh37 (hg19) VCF-style: chr14-51259444-C-T.
Other names: c.421G>A, p.Gly141Ser (NM_016350.5, NM_182944.3, NM_182946.2); short protein forms G141S.
Identifiers: ClinVar variation 211612 (VCV000211612.10), dbSNP rs143800977, ClinGen allele CA205663.